The following is an entry in ClinVar:

ClinVar aggregate classification (germline): Benign (1 of 4 stars; one submission).

Allele frequency attached by ClinVar (database versions not stated): gnomAD exomes 0.00208; gnomAD 0.01783 and 0.01906; TOPMed 0.02119; 1000 Genomes Project 0.02177; 1000 Genomes Project 30x 0.02202.

Submission:

GeneDx
Classification: Benign. Last evaluated: 2018-06-14. Review status: criteria provided, single submitter. Criteria: GeneDx Variant Classification (06012015). Collection method: clinical testing. Allele origin: germline. Affected: yes.
Comment: This variant is considered likely benign or benign based on one or more of the following criteria: it is a conservative change, it occurs at a poorly conserved position in the protein, it is predicted to be benign by multiple in silico algorithms, and/or has population frequency not consistent with disease.

NM_014141.6(CNTNAP2):c.1084-113del

Gene: CNTNAP2 (contactin associated protein 2; plus strand). Cytogenetic location: 7q35.
Variant type: Deletion.
Coding change: c.1084-113del on transcript NM_014141.6 (MANE Select); 113 bases into the intron before coding-DNA position 1084, one base deleted (C; older notation c.1084-113delC).
Molecular consequence: intron variant.
Genome position (GRCh38, 1-based): chr7:147,132,132, C deleted. VCF-style (leftmost placement, unchanged base first): chr7-147132131-GC-G. GRCh37 (hg19) VCF-style: chr7-146829223-GC-G.
Identifiers: ClinVar variation 675891 (VCV000675891.1), dbSNP rs148733811, ClinGen allele CA168690885.